The following is an entry in ClinVar:

ClinVar aggregate classification (germline): Uncertain significance (1 of 4 stars; one submission).

Allele frequency attached by ClinVar (database versions not stated): gnomAD exomes below 0.00001; ExAC 0.00001; TOPMed 0.00002; gnomAD 0.00005; 1000 Genomes Project 30x 0.00016; 1000 Genomes Project 0.00020.

Submission:

Labcorp Genetics (formerly Invitae), Labcorp
Classification: Uncertain significance. Last evaluated: 2024-11-18. Review status: criteria provided, single submitter. Criteria: Invitae Variant Classification Sherloc (09022015). Collection method: clinical testing. Allele origin: germline.
Comment: This sequence change replaces methionine, which is neutral and non-polar, with isoleucine, which is neutral and non-polar, at codon 1141 of the NBAS protein (p.Met1141Ile). This variant is present in population databases (rs528463560, gnomAD 0.02%). This variant has not been reported in the literature in individuals affected with NBAS-related conditions. ClinVar contains an entry for this variant (Variation ID: 2196516). Invitae Evidence Modeling of protein sequence and biophysical properties (such as structural, functional, and spatial information, amino acid conservation, physicochemical variation, residue mobility, and thermodynamic stability) has been performed for this missense variant. However, the output from this modeling did not meet the statistical confidence thresholds required to predict the impact of this variant on NBAS protein function. In summary, the available evidence is currently insufficient to determine the role of this variant in disease. Therefore, it has been classified as a Variant of Uncertain Significance.

NM_015909.4(NBAS):c.3423G>A (p.Met1141Ile)

Gene: NBAS (NBAS subunit of NRZ tethering complex; minus strand). Cytogenetic location: 2p24.3.
Variant type: single nucleotide variant.
Coding change: c.3423G>A on transcript NM_015909.4 (MANE Select); coding-DNA position 3423, G replaced by A.
Protein change: p.Met1141Ile; replaces methionine 1141 with isoleucine.
Molecular consequence: missense variant. On other transcripts: non-coding transcript variant (1).
Genome position (GRCh38, 1-based): chr2:15,379,769, C>T on the plus strand (G>A on the coding strand, the complement: NBAS is on the minus strand). VCF-style: chr2-15379769-C-T. GRCh37 (hg19) VCF-style: chr2-15519893-C-T.
Other names: short protein forms M1141I.
Identifiers: ClinVar variation 2196516 (VCV002196516.3), dbSNP rs528463560, ClinGen allele CA1536020.